The following is an entry in ClinVar:

NM_020442.6(VARS2):c.507-8T>C

Gene: VARS2 (valyl-tRNA synthetase 2, mitochondrial; plus strand). Cytogenetic location: 6p21.33.
Variant type: single nucleotide variant.
Coding change: c.507-8T>C on transcript NM_020442.6 (MANE Select); 8 bases into the intron before coding-DNA position 507, T replaced by C.
Molecular consequence: intron variant.
Genome position (GRCh38, 1-based): chr6:30,915,973, T>C. VCF-style: chr6-30915973-T-C. GRCh37 (hg19) VCF-style: chr6-30883750-T-C.
Other names: c.597-8T>C (NM_001167734.2); c.87-8T>C (NM_001167733.3).
Identifiers: ClinVar variation 512101 (VCV000512101.1), dbSNP rs1452275683, ClinGen allele CA658796730.

ClinVar aggregate classification (germline): Likely benign (1 of 4 stars; one submission).

Allele frequency attached by ClinVar (database versions not stated): TOPMed below 0.00001 and 0.00001.

Submission:

GeneDx
Classification: Likely benign. Last evaluated: 2017-10-05. Review status: criteria provided, single submitter. Criteria: GeneDx Variant Classification (06012015). Collection method: clinical testing. Allele origin: germline. Affected: yes.
Comment: This variant is considered likely benign or benign based on one or more of the following criteria: it is a conservative change, it occurs at a poorly conserved position in the protein, it is predicted to be benign by multiple in silico algorithms, and/or has population frequency not consistent with disease.